The following is an entry in ClinVar:

NM_000642.3(AGL):c.385C>G (p.Leu129Val)

Gene: AGL (amylo-alpha-1,6-glucosidase and 4-alpha-glucanotransferase; plus strand). Cytogenetic location: 1p21.2.
Variant type: single nucleotide variant.
Coding change: c.385C>G on transcript NM_000642.3 (MANE Select); coding-DNA position 385, C replaced by G.
Protein change: p.Leu129Val; replaces leucine 129 with valine.
Molecular consequence: missense variant.
Genome position (GRCh38, 1-based): chr1:99,862,348, C>G. VCF-style: chr1-99862348-C-G. GRCh37 (hg19) VCF-style: chr1-100327904-C-G.
Other names: c.385C>G, p.Leu129Val (NM_001425326.1, NM_001425327.1, NM_001425328.1 and 5 more transcripts); c.337C>G, p.Leu113Val (NM_000646.3); short protein forms L113V, L129V.
Identifiers: ClinVar variation 955445 (VCV000955445.8), dbSNP rs749109793, ClinGen allele CA966152.
Genomic context (GRCh38, chr1:99,862,348, plus strand): 5'-GTGGACCCCATTTTACGTGTTGGTGCTGATAATCATGTGCTACCCTTGGACTGTGTTACT[C>G]TTCAGACATTTTTAGCTAAGTGTTTGGGACCTTTTGATGAATGGGAAAGCAGACTTAGGG-3'
Protein context (NP_000633.2, residues 119-139): NHVLPLDCVT[Leu129Val]QTFLAKCLGP

ClinVar aggregate classification (germline): Uncertain significance. Review status: criteria provided, multiple submitters, no conflicts (2 of 4 stars). 3 submissions from 3 submitters: Uncertain significance (2). 1 of the submissions does not count toward it. Last evaluated 2024-10-21.

Conditions:
Inborn genetic diseases. Identifiers: MedGen C0950123, MeSH D030342.
Glycogen storage disease type III (GSD3). Also called: Cori disease; FORBES DISEASE. Identifiers: Orphanet 366, MedGen C0017922, MONDO:0009291, OMIM 232400.

Allele frequency attached by ClinVar (database versions not stated): TOPMed 0.00001; ExAC 0.00002.
gnomAD v4.1: 65 of 1,613,906 alleles (0.004%); highest among the groups gnomAD compares: Non-Finnish European, 0.0054%; no homozygotes.

Submissions (3):

Ambry Genetics
Classification: Uncertain significance for Inborn genetic diseases. Last evaluated: 2024-10-21. Review status: criteria provided, single submitter. Criteria: Ambry Variant Classification Scheme 2023. Collection method: clinical testing. Allele origin: germline.

Labcorp Genetics (formerly Invitae), Labcorp
Classification: Uncertain significance for Glycogen storage disease type III. Last evaluated: 2022-08-21. Review status: criteria provided, single submitter. Criteria: Invitae Variant Classification Sherloc (09022015). Collection method: clinical testing. Allele origin: germline.
Comment: This sequence change replaces leucine, which is neutral and non-polar, with valine, which is neutral and non-polar, at codon 129 of the AGL protein (p.Leu129Val). This variant is present in population databases (rs749109793, gnomAD 0.003%). This variant has not been reported in the literature in individuals affected with AGL-related conditions. ClinVar contains an entry for this variant (Variation ID: 955445). Algorithms developed to predict the effect of missense changes on protein structure and function (SIFT, PolyPhen-2, Align-GVGD) all suggest that this variant is likely to be tolerated. In summary, the available evidence is currently insufficient to determine the role of this variant in disease. Therefore, it has been classified as a Variant of Uncertain Significance.

Natera, Inc.
Classification: Uncertain significance for Glycogen storage disease type III. Last evaluated: 2020-08-18. Review status: no assertion criteria provided. Collection method: clinical testing. Allele origin: germline. Not counted in ClinVar's aggregate classification.